The following is an entry in ClinVar:

ClinVar aggregate classification (germline): Uncertain significance (1 of 4 stars; one submission).

Conditions:
Achondrogenesis, type IA (ACG1A). Identifiers: Orphanet 932, Orphanet 93299, MedGen C0265273, MONDO:0008701, OMIM 200600.

Allele frequency attached by ClinVar (database versions not stated): ExAC 0.00001; gnomAD exomes 0.00001.
gnomAD v4.1: 13 of 1,613,566 alleles (0.00081%); highest among the groups gnomAD compares: Middle Eastern, 0.083%; no homozygotes.

Submission:

Labcorp Genetics (formerly Invitae), Labcorp
Classification: Uncertain significance for Achondrogenesis, type IA. Last evaluated: 2022-08-16. Review status: criteria provided, single submitter. Criteria: Invitae Variant Classification Sherloc (09022015). Collection method: clinical testing. Allele origin: germline.
Comment: This sequence change replaces lysine, which is basic and polar, with glutamic acid, which is acidic and polar, at codon 681 of the TRIP11 protein (p.Lys681Glu). This variant is present in population databases (rs774891720, gnomAD 0.002%). This variant has not been reported in the literature in individuals affected with TRIP11-related conditions. ClinVar contains an entry for this variant (Variation ID: 1365352). Algorithms developed to predict the effect of missense changes on protein structure and function are either unavailable or do not agree on the potential impact of this missense change (SIFT: "Not Available"; PolyPhen-2: "Benign"; Align-GVGD: "Not Available"). In summary, the available evidence is currently insufficient to determine the role of this variant in disease. Therefore, it has been classified as a Variant of Uncertain Significance.

NM_004239.4(TRIP11):c.2041A>G (p.Lys681Glu)

Gene: TRIP11 (thyroid hormone receptor interactor 11; minus strand). Cytogenetic location: 14q32.12.
Variant type: single nucleotide variant.
Coding change: c.2041A>G on transcript NM_004239.4 (MANE Select); coding-DNA position 2041, A replaced by G.
Protein change: p.Lys681Glu; replaces lysine 681 with glutamic acid.
Molecular consequence: missense variant.
Genome position (GRCh38, 1-based): chr14:92,005,935, T>C on the plus strand (A>G on the coding strand, the complement: TRIP11 is on the minus strand). VCF-style: chr14-92005935-T-C. GRCh37 (hg19) VCF-style: chr14-92472279-T-C.
Other names: c.2038A>G, p.Lys680Glu (NM_001321851.1); short protein forms K680E, K681E.
Identifiers: ClinVar variation 1365352 (VCV001365352.5), dbSNP rs774891720, ClinGen allele CA7313842.